The following is an entry in ClinVar:

NM_000518.5(HBB):c.-51T>C

Genes: HBB (hemoglobin subunit beta; minus strand), LOC106099062 (HBB recombination region; plus strand), LOC107133510 (origin of replication at HBB; plus strand). Cytogenetic location: 11p15.4.
Variant type: single nucleotide variant.
Coding change: c.-51T>C on transcript NM_000518.5 (MANE Select); 51 bases upstream of the start codon, T replaced by C.
Genome position (GRCh38, 1-based): chr11:5,227,072, A>G on the plus strand (T>C on the coding strand, the complement: HBB is on the minus strand). VCF-style: chr11-5227072-A-G. GRCh37 (hg19) VCF-style: chr11-5248302-A-G.
Identifiers: ClinVar variation 36293 (VCV000036293.55), dbSNP rs386134236, ClinGen allele CA342846.
Genomic context (GRCh38, chr11:5,227,072, plus strand): 5'-GATGCACCATGGTGTCTGTTTGAGGTTGCTAGTGAACACAGTTGTGTCAGAAGCAAATGT[A>G]AGCAATAGATGGCTCTGCCCTGACTTTTATGCCCAGCCCTGGCTCCTGCCCTCCCTGCTC-3'

ClinVar aggregate classification (germline): Conflicting classifications of pathogenicity. Review status: criteria provided, conflicting classifications (1 of 4 stars). 3 submissions from 3 submitters: Uncertain significance (2); Likely benign (1). Last evaluated 2026-05-22.

Allele frequency attached by ClinVar (database versions not stated): 1000 Genomes Project 30x 0.00016; ExAC 0.00017; gnomAD 0.00040 and 0.00041; gnomAD exomes 0.00003 and 0.00012; 1000 Genomes Project 0.00020; TOPMed 0.00049; ESP Exome Variant Server 0.00069.

Submissions (3):

Women's Health and Genetics/Laboratory Corporation of America, LabCorp
Classification: Uncertain significance. Last evaluated: 2026-05-22. Review status: criteria provided, single submitter. Criteria: LabCorp Variant Classification Summary - May 2015. Collection method: clinical testing. Allele origin: germline.
Comment: Variant summary: HBB c.-51T>C is located in the untranscribed region upstream of the HBB gene region. Consensus agreement among computation tools predict no significant impact on normal splicing. However, these predictions have yet to be confirmed by functional studies. The variant was absent in 1230322 control chromosomes. The available data on variant occurrences in the general population are insufficient to allow any conclusion about variant significance. c.-51T>C has been observed in an infant who was a carrier of the sickle cell trait and in an individual with mild microcytic hypochromic anemia who carried at least one other pathogenic variant (Kunz_2016, Poon_2021). In both cases it was unclear whether the variant of interest had any impact on the observed phenotypes and therefore, these reports do not provide unequivocal conclusions about association of the variant with disease. To our knowledge, no experimental evidence demonstrating an impact on protein function has been reported. The following publications have been ascertained in the context of this evaluation (PMID: 26658910, 33279152). ClinVar contains an entry for this variant (Variation ID: 36293). Based on the evidence outlined above, the variant was classified as uncertain significance.

Labcorp Genetics (formerly Invitae), Labcorp
Classification: Likely benign. Last evaluated: 2026-01-24. Review status: criteria provided, single submitter. Criteria: Invitae Variant Classification Sherloc (09022015). Collection method: clinical testing. Allele origin: germline.

Quest Diagnostics Nichols Institute San Juan Capistrano
Classification: Uncertain significance. Last evaluated: 2024-07-16. Review status: criteria provided, single submitter. Criteria: Quest Diagnostics criteria. Collection method: clinical testing. Allele origin: unknown.
Comment: The HBB c.-51T>C variant has been reported in the published literature in an infant with sickle cell disease who also carried the pathogenic Hb S variant (PMID: 26658910 (2016)). The frequency of this variant in the general population, 0.0019 (46/24808 chromosomes (Genome Aggregation Database)), is uninformative in the assessment of its pathogenicity. Based on the available information, we are unable to determine the clinical significance of this variant.

Literature cited by the submitters: PubMed 26658910 (cited by Women's Health and Genetics/Laboratory Corporation of America, LabCorp and Quest Diagnostics Nichols Institute San Juan Capistrano); PubMed 33279152 (cited by Women's Health and Genetics/Laboratory Corporation of America, LabCorp and Quest Diagnostics Nichols Institute San Juan Capistrano).